The following is an entry in ClinVar:

NM_000059.4(BRCA2):c.2279dup (p.Leu760fs)

Gene: BRCA2 (BRCA2 DNA repair associated; plus strand). Cytogenetic location: 13q13.1.
Variant type: Duplication.
Coding change: c.2279dup on transcript NM_000059.4 (MANE Select); coding-DNA position 2279, one base duplicated (T; older notation c.2279dupT).
Protein change: p.Leu760fs; shifts the reading frame from leucine 760.
Molecular consequence: frameshift variant. On other transcripts: non-coding transcript variant (1), intron variant (2).
Genome position (GRCh38, 1-based): chr13:32,336,634, T duplicated; the last of 4 consecutive T bases (chr13:32,336,631-32,336,634); duplicating any one gives the same sequence. VCF-style (leftmost placement, unchanged base first): chr13-32336630-C-CT. GRCh37 (hg19) VCF-style: chr13-32910767-C-CT.
Other names: c.2279dup, p.Leu760fs (NM_001406719.1, NM_001406720.1, NM_001432077.1); c.1909+3247dup (NM_001406721.1); c.424+5604dup (NM_001406722.1); short protein forms L760fs.
Identifiers: ClinVar variation 3894506 (VCV003894506.2).
Genomic context (GRCh38, chr13:32,336,630, plus strand): 5'-CACCCAGTACAACATTCAAAAGTGGAATACAGTGATACTGACTTTCAATCCCAGAAAAGT[C>CT]TTTTATATGATCATGAAAATGCCAGCACTCTTATTTTAACTCCTACTTCCAAGGATGTTC-3'

ClinVar aggregate classification (germline): Pathogenic. Review status: criteria provided, multiple submitters, no conflicts (2 of 4 stars). 2 submissions from 2 submitters: Pathogenic (2). Last evaluated 2025-12-02.

Conditions:
Hereditary cancer-predisposing syndrome. Also called: Neoplastic Syndromes, Hereditary; Tumor predisposition; Hereditary Cancer Syndrome; Hereditary neoplastic syndrome. Identifiers: Orphanet 140162, MedGen C0027672, MeSH D009386, MONDO:0015356.
Hereditary breast ovarian cancer syndrome. Also called: Hereditary breast and ovarian cancer syndrome; Hereditary breast and/or ovarian cancer syndrome; Hereditary breast and ovarian cancer; Hereditary breast and ovarian cancer syndrome (HBOC); BRCA1- and BRCA2-Associated Hereditary Breast and Ovarian Cancer; Breast and ovarian cancer. Identifiers: Orphanet 145, MedGen C0677776, MeSH D061325, MONDO:0003582. Disease mechanism: loss of function.

Submissions (2):

Labcorp Genetics (formerly Invitae), Labcorp
Classification: Pathogenic for Hereditary breast ovarian cancer syndrome. Last evaluated: 2025-12-02. Review status: criteria provided, single submitter. Criteria: Invitae Variant Classification Sherloc (09022015). Collection method: clinical testing. Allele origin: germline.
Comment: This sequence change creates a premature translational stop signal (p.Leu760Phefs*3) in the BRCA2 gene. It is expected to result in an absent or disrupted protein product. Loss-of-function variants in BRCA2 are known to be pathogenic (PMID: 20104584). This variant is not present in population databases (gnomAD no frequency). This variant has not been reported in the literature in individuals affected with BRCA2-related conditions. ClinVar contains an entry for this variant (Variation ID: 3894506). For these reasons, this variant has been classified as Pathogenic.

Color Diagnostics, LLC DBA Color Health
Classification: Pathogenic for Hereditary cancer-predisposing syndrome. Last evaluated: 2024-01-29. Review status: criteria provided, single submitter. Criteria: ACMG Guidelines, 2015. Collection method: clinical testing. Allele origin: germline.
Comment: This variant inserts 1 nucleotide in exon 11 of the BRCA2 gene, creating a frameshift and premature translation stop signal. This variant is expected to result in an absent or non-functional protein product. To our knowledge, this variant has not been reported in individuals affected with BRCA2-related disorders in the literature. This variant has not been identified in the general population by the Genome Aggregation Database (gnomAD). Loss of BRCA2 function is a known mechanism of disease. Based on the available evidence, this variant is classified as Pathogenic.

Literature cited by the submitters: PubMed 20104584 (cited by Labcorp Genetics (formerly Invitae), Labcorp).